The following is an entry in ClinVar:

ClinVar aggregate classification (germline): Benign (0 of 4 stars; one submission).

Conditions:
METTL13-related disorder. Also called: METTL13-related condition.

Allele frequency attached by ClinVar (database versions not stated): 1000 Genomes Project 30x 0.11618; 1000 Genomes Project 0.11641; TOPMed 0.14329; gnomAD 0.15104; ESP Exome Variant Server 0.15570; ExAC 0.16566; gnomAD exomes 0.19173.
gnomAD v4.1: 302,563 of 1,613,952 alleles (19%); highest among the groups gnomAD compares: Non-Finnish European, 21%; 30,214 homozygotes.

Submission:

PreventionGenetics, part of Exact Sciences
Classification: Benign for METTL13-related condition. Last evaluated: 2019-11-21. Review status: no assertion criteria provided. Collection method: clinical testing. Allele origin: germline.
Comment: This variant is classified as benign based on ACMG/AMP sequence variant interpretation guidelines (Richards et al. 2015 PMID: 25741868, with internal and published modifications).

NM_015935.5(METTL13):c.1707C>T (p.Tyr569=)

Genes: METTL13 (methyltransferase 13, eEF1A N-terminus and K55; plus strand), LOC126805917 (P300/CBP strongly-dependent group 1 enhancer GRCh37_chr1:171762946-171764145; plus strand). Cytogenetic location: 1q24.3.
Variant type: single nucleotide variant.
Coding change: c.1707C>T on transcript NM_015935.5 (MANE Select); coding-DNA position 1707, C replaced by T.
Protein change: p.Tyr569=; no amino-acid change (tyrosine 569 retained).
Molecular consequence: synonymous variant.
Genome position (GRCh38, 1-based): chr1:171,794,409, C>T. VCF-style: chr1-171794409-C-T. GRCh37 (hg19) VCF-style: chr1-171763549-C-T.
Other names: c.1239C>T, p.Tyr413= (NM_001007239.2); c.1449C>T, p.Tyr483= (NM_014955.3).
Identifiers: ClinVar variation 3058980 (VCV003058980.2), dbSNP rs2232825, ClinGen allele CA1244958.